The following is an entry in ClinVar:

ClinVar aggregate classification (germline): Uncertain significance. Review status: criteria provided, multiple submitters, no conflicts (2 of 4 stars). 2 submissions from 2 submitters: Uncertain significance (2). Last evaluated 2025-01-06.

Conditions:
Dyskeratosis congenita, autosomal recessive 5 (DKCB5). Identifiers: MedGen C3554656, MONDO:0014076, OMIM 615190.
Pulmonary fibrosis and/or bone marrow failure, Telomere-related, 3. Also called: PULMONARY FIBROSIS AND/OR BONE MARROW FAILURE SYNDROME, TELOMERE-RELATED, 3. Identifiers: Orphanet 2032, MedGen C4225346, MONDO:0014613, OMIM 616373.
Inborn genetic diseases. Identifiers: MedGen C0950123, MeSH D030342.

Submissions (2):

Ambry Genetics
Classification: Uncertain significance for Inborn genetic diseases. Last evaluated: 2025-01-06. Review status: criteria provided, single submitter. Criteria: Ambry Variant Classification Scheme 2023. Collection method: clinical testing. Allele origin: germline.
Comment: The p.H509Q variant (also known as c.1527C>G), located in coding exon 17 of the RTEL1 gene, results from a C to G substitution at nucleotide position 1527. The histidine at codon 509 is replaced by glutamine, an amino acid with highly similar properties. This amino acid position is conserved. In addition, this alteration is predicted to be tolerated by in silico analysis. Based on the available evidence, the clinical significance of this variant remains unclear.

Labcorp Genetics (formerly Invitae), Labcorp
Classification: Uncertain significance for Dyskeratosis congenita, autosomal recessive 5; Pulmonary fibrosis and/or bone marrow failure, Telomere-related, 3. Last evaluated: 2024-06-02. Review status: criteria provided, single submitter. Criteria: Invitae Variant Classification Sherloc (09022015). Collection method: clinical testing. Allele origin: germline.
Comment: This sequence change replaces histidine, which is basic and polar, with glutamine, which is neutral and polar, at codon 509 of the RTEL1 protein (p.His509Gln). This variant is not present in population databases (gnomAD no frequency). This variant has not been reported in the literature in individuals affected with RTEL1-related conditions. Algorithms developed to predict the effect of missense changes on protein structure and function output the following: SIFT: "Not Available"; PolyPhen-2: "Benign"; Align-GVGD: "Not Available". The glutamine amino acid residue is found in multiple mammalian species, which suggests that this missense change does not adversely affect protein function. In summary, the available evidence is currently insufficient to determine the role of this variant in disease. Therefore, it has been classified as a Variant of Uncertain Significance.

NM_001283009.2(RTEL1):c.1527C>G (p.His509Gln)

Genes: RTEL1 (regulator of telomere elongation helicase 1; plus strand), RTEL1-TNFRSF6B (RTEL1-TNFRSF6B readthrough (NMD candidate); plus strand). Cytogenetic location: 20q13.33.
Variant type: single nucleotide variant.
Coding change: c.1527C>G on transcript NM_001283009.2 (MANE Select); coding-DNA position 1527, C replaced by G.
Protein change: p.His509Gln; replaces histidine 509 with glutamine.
Molecular consequence: missense variant. On other transcripts: non-coding transcript variant (1).
Genome position (GRCh38, 1-based): chr20:63,687,982, C>G. VCF-style: chr20-63687982-C-G. GRCh37 (hg19) VCF-style: chr20-62319335-C-G.
Other names: c.858C>G, p.His286Gln (NM_001283010.1); c.1527C>G, p.His509Gln (NM_016434.4); c.1599C>G, p.His533Gln (NM_032957.5); short protein forms H286Q, H509Q, H533Q.
Identifiers: ClinVar variation 3758192 (VCV003758192.3).